The following is an entry in ClinVar:

NM_002547.3(OPHN1):c.1544A>G (p.Lys515Arg)

Gene: OPHN1 (oligophrenin 1; minus strand). Cytogenetic location: Xq12.
Variant type: single nucleotide variant.
Coding change: c.1544A>G on transcript NM_002547.3 (MANE Select); coding-DNA position 1544, A replaced by G.
Protein change: p.Lys515Arg; replaces lysine 515 with arginine.
Molecular consequence: missense variant.
Genome position (GRCh38, 1-based): chrX:68,097,012, T>C on the plus strand (A>G on the coding strand, the complement: OPHN1 is on the minus strand). VCF-style: chrX-68097012-T-C. GRCh37 (hg19) VCF-style: chrX-67316854-T-C.
Other names: short protein forms K515R.
Identifiers: ClinVar variation 3616333 (VCV003616333.2).
Genomic context (GRCh38, chrX:68,097,012, plus strand): 5'-GCTCTCATCAGGGTGGGCCCAAAGATTACTCCCATGTTGGAGGGGGTCATAAGATTCTCT[T>C]TGCTGTGCTCACACACACTGCCAGAAGAAAAGGGGCAAGATTAACAAAATTTGCTCCAGT-3'
Protein context (NP_002538.1, residues 505-525): RHLVNVCEHS[Lys515Arg]ENLMTPSNMG

ClinVar aggregate classification (germline): Uncertain significance (1 of 4 stars; one submission).

Submission:

Labcorp Genetics (formerly Invitae), Labcorp
Classification: Uncertain significance. Last evaluated: 2024-03-15. Review status: criteria provided, single submitter. Criteria: Invitae Variant Classification Sherloc (09022015). Collection method: clinical testing. Allele origin: germline.
Comment: This sequence change replaces lysine, which is basic and polar, with arginine, which is basic and polar, at codon 515 of the OPHN1 protein (p.Lys515Arg). This variant is not present in population databases (gnomAD no frequency). This variant has not been reported in the literature in individuals affected with OPHN1-related conditions. Algorithms developed to predict the effect of missense changes on protein structure and function output the following: SIFT: "Not Available"; PolyPhen-2: "Benign"; Align-GVGD: "Not Available". The arginine amino acid residue is found in multiple mammalian species, which suggests that this missense change does not adversely affect protein function. In summary, the available evidence is currently insufficient to determine the role of this variant in disease. Therefore, it has been classified as a Variant of Uncertain Significance.